The following is an entry in ClinVar:

ClinVar aggregate classification (germline): Uncertain significance (1 of 4 stars; one submission).

Conditions:
Epidermolysis bullosa simplex 3, localized or generalized intermediate, with BP230 deficiency (EBS3). Also called: Epidermolysis bullosa simplex due to BP230 deficiency; Epidermolysis bullosa simplex, autosomal recessive 2. Identifiers: Orphanet 412181, MedGen C3809470, MONDO:0014180, OMIM 615425.
Hereditary sensory and autonomic neuropathy type 6. Also called: HSAN VI; Neuropathy, hereditary sensory and autonomic, type VI. Identifiers: Orphanet 314381, MedGen C3539003, MONDO:0013839, OMIM 614653.

Submission:

Labcorp Genetics (formerly Invitae), Labcorp
Classification: Uncertain significance for Epidermolysis bullosa simplex 3, localized or generalized intermediate, with BP230 deficiency; Hereditary sensory and autonomic neuropathy type 6. Last evaluated: 2022-06-27. Review status: criteria provided, single submitter. Criteria: Invitae Variant Classification Sherloc (09022015). Collection method: clinical testing. Allele origin: germline.
Comment: In summary, the available evidence is currently insufficient to determine the role of this variant in disease. Therefore, it has been classified as a Variant of Uncertain Significance. Algorithms developed to predict the effect of missense changes on protein structure and function (SIFT, PolyPhen-2, Align-GVGD) all suggest that this variant is likely to be tolerated. This sequence change replaces asparagine, which is neutral and polar, with serine, which is neutral and polar, at codon 1689 of the DST protein (p.Asn1689Ser). This variant is not present in population databases (gnomAD no frequency). This variant has not been reported in the literature in individuals affected with DST-related conditions.

NM_001723.7(DST):c.5066A>G (p.Asn1689Ser)

Gene: DST (dystonin; minus strand). Cytogenetic location: 6p12.1.
Variant type: single nucleotide variant.
Coding change: c.5066A>G on transcript NM_001723.7 (MANE Plus Clinical); coding-DNA position 5066, A replaced by G.
Protein change: p.Asn1689Ser; replaces asparagine 1689 with serine.
Molecular consequence: missense variant. On other transcripts: intron variant (10).
Genome position (GRCh38, 1-based): chr6:56,618,968, T>C on the plus strand (A>G on the coding strand, the complement: DST is on the minus strand). VCF-style: chr6-56618968-T-C. GRCh37 (hg19) VCF-style: chr6-56483766-T-C.
Other names: c.4831-4484A>G (NM_001144769.5); c.4930-4484A>G (NM_001374722.1, NM_001374736.1); c.4957-4484A>G (NM_001374734.1); c.4417-4484A>G (NM_001144770.2); c.4297-4484A>G (NM_001374730.1, NM_001386100.1, NM_183380.4 and 1 more transcripts); c.3319-4484A>G (NM_015548.5); short protein forms N1689S.
Identifiers: ClinVar variation 2094714 (VCV002094714.4), dbSNP rs2536691983, ClinGen allele CA364568226.